The following is an entry in ClinVar:

ClinVar aggregate classification (germline): Pathogenic/Likely pathogenic. Review status: criteria provided, multiple submitters, no conflicts (2 of 4 stars). 4 submissions from 4 submitters: Pathogenic (2); Likely pathogenic (2). Last evaluated 2025-10-06.

Conditions:
WFS1-related disorder. Identifiers: MedGen CN379391, MONDO:0700293.
Wolfram-like syndrome. Also called: HEARING LOSS, PROGRESSIVE, WITH OPTIC ATROPHY AND/OR IMPAIRED GLUCOSE REGULATION. Identifiers: Orphanet 411590, MedGen C3280358, MONDO:0013673, OMIM 614296.

Submissions (4):

Labcorp Genetics (formerly Invitae), Labcorp
Classification: Pathogenic. Last evaluated: 2025-10-06. Review status: criteria provided, single submitter. Criteria: Invitae Variant Classification Sherloc (09022015). Collection method: clinical testing. Allele origin: germline.
Comment: This sequence change replaces histidine, which is basic and polar, with tyrosine, which is neutral and polar, at codon 313 of the WFS1 protein (p.His313Tyr). This variant is not present in population databases (gnomAD no frequency). This missense change has been observed in individual(s) with autosomal dominant WFS1-related conditions (PMID: 16151413, 31391115). In at least one individual the variant was observed to be de novo. ClinVar contains an entry for this variant (Variation ID: 290817). Invitae Evidence Modeling of protein sequence and biophysical properties (such as structural, functional, and spatial information, amino acid conservation, physicochemical variation, residue mobility, and thermodynamic stability) indicates that this missense variant is not expected to disrupt WFS1 protein function with a negative predictive value of 95%. Experimental studies have shown that this missense change affects WFS1 function (PMID: 28468959). For these reasons, this variant has been classified as Pathogenic.

PreventionGenetics, part of Exact Sciences
Classification: Pathogenic for WFS1-related condition. Last evaluated: 2024-12-30. Review status: criteria provided, single submitter. Criteria: ACMG Guidelines, 2015. Collection method: clinical testing. Allele origin: germline.
Comment: The WFS1 c.937C>T variant is predicted to result in the amino acid substitution p.His313Tyr. This variant was reported as causative for autosomal dominant Wolfram syndrome in multiple individuals, and was de novo in two unrelated patients (Hansen et al. 2005. PubMed ID: 16151413; Majander et al. 2016. PubMed ID: 26875006; De Franco et al. 2017. PubMed ID: 28468959; Zhang et al. 2019. PubMed ID: 31391115). Functional studies found that this variant induced endoplasmic reticulum stress (Bonnycastle et al. 2013. PubMed ID: 23903355; De Franco et al. 2017. PubMed ID: 28468959). This variant has not been reported in a large population database (gnomAD), indicating this variant is rare. This variant is interpreted as pathogenic.

Eurofins Ntd Llc (ga)
Classification: Likely pathogenic. Last evaluated: 2016-09-14. Review status: criteria provided, single submitter. Criteria: EGL Classification Definitions 2015. Collection method: clinical testing. Allele origin: germline. Observed: 1 variant allele, 1 heterozygote.

Juno Genomics, Hangzhou Juno Genomics, Inc
Classification: Likely pathogenic for Wolfram-like syndrome. Review status: criteria provided, single submitter. Criteria: ACMG Guidelines, 2015. Collection method: clinical testing. Allele origin: germline. Affected: yes.
Comment: Absent from controls (or at extremely low frequency if recessive) in Genome Aggregation Database.;Well-established in vitro or in vivo functional studies supportive of a damaging effect on the gene or gene product.;The prevalence of the variant in affected individuals is significantly increased compared to the prevalence in controls.;Assumed de novo, but without confirmation of paternity and maternity.;Patient's phenotype or family history is highly specific for a disease with a single genetic etiology.

Literature cited by the submitters: PubMed 16151413 (cited by Labcorp Genetics (formerly Invitae), Labcorp); PubMed 31391115 (cited by Labcorp Genetics (formerly Invitae), Labcorp); PubMed 28468959 (cited by Labcorp Genetics (formerly Invitae), Labcorp).

NM_006005.3(WFS1):c.937C>T (p.His313Tyr)

Gene: WFS1 (wolframin ER transmembrane glycoprotein; plus strand). Cytogenetic location: 4p16.1.
Variant type: single nucleotide variant.
Coding change: c.937C>T on transcript NM_006005.3 (MANE Select); coding-DNA position 937, C replaced by T.
Protein change: p.His313Tyr; replaces histidine 313 with tyrosine.
Molecular consequence: missense variant.
Genome position (GRCh38, 1-based): chr4:6,300,732, C>T. VCF-style: chr4-6300732-C-T. GRCh37 (hg19) VCF-style: chr4-6302459-C-T.
Other names: c.937C>T, p.His313Tyr (NM_001145853.1); short protein forms H313Y.
Identifiers: ClinVar variation 290817 (VCV000290817.9), dbSNP rs886044563, ClinGen allele CA10606914.
Genomic context (GRCh38, chr4:6,300,732, plus strand): 5'-CTGCACGCCATCATGGAGATCAAGGAGTACCTGATTGACATGGCCTCCAGGGCAGGCATG[C>T]ACTGGCTGTCCACCATCATCCCCACGCACCACATCAACGCGCTCATCTTCTTCTTCATCG-3'
Protein context (NP_005996.2, residues 303-323): LIDMASRAGM[His313Tyr]WLSTIIPTHH